The following is an entry in ClinVar:

NC_000016.10:g.(89742939_89744958)_(89767238_89769836)del

Gene: FANCA (FA complementation group A; minus strand). Cytogenetic location: 16q24.3.
Variant type: Deletion.
Identifiers: ClinVar variation 974140 (VCV000974140.1).

ClinVar aggregate classification (germline): Pathogenic (0 of 4 stars; one submission).

Conditions:
Fanconi anemia complementation group A (FANCA). Also called: Fanconi anemia, group A; FANCA-Related Fanconi Anemia. Identifiers: Orphanet 84, MedGen C3469521, MONDO:0009215, OMIM 227650.

Submission:

Leiden Open Variation Database
Classification: Pathogenic for Fanconi anemia complementation group A. Last evaluated: 2020-02-28. Review status: no assertion criteria provided. Collection method: curation. Allele origin: germline. Affected: yes.
Comment: Curator: Arleen D. Auerbach. Submitter to LOVD: Johan de Winter.

Literature cited by the submitters: PubMed 17924555.